The following is an entry in ClinVar:

NM_182706.5(SCRIB):c.837C>T (p.Cys279=)

Gene: SCRIB (scribble planar cell polarity protein; minus strand). Cytogenetic location: 8q24.3.
Variant type: single nucleotide variant.
Coding change: c.837C>T on transcript NM_182706.5 (MANE Select); coding-DNA position 837, C replaced by T.
Protein change: p.Cys279=; no amino-acid change (cysteine 279 retained).
Molecular consequence: synonymous variant.
Genome position (GRCh38, 1-based): chr8:143,812,335, G>A on the plus strand (C>T on the coding strand, the complement: SCRIB is on the minus strand). VCF-style: chr8-143812335-G-A. GRCh37 (hg19) VCF-style: chr8-144894505-G-A.
Other names: c.837C>T, p.Cys279= (NM_015356.5).
Identifiers: ClinVar variation 3057342 (VCV003057342.2), dbSNP rs753383025, ClinGen allele CA187612159.

ClinVar aggregate classification (germline): Likely benign (0 of 4 stars; one submission).

Conditions:
SCRIB-related disorder. Also called: SCRIB-related condition.

Allele frequency attached by ClinVar (database versions not stated): gnomAD 0.00003; TOPMed 0.00006; ExAC 0.00007.
gnomAD v4.1: 81 of 1,613,562 alleles (0.005%); highest among the groups gnomAD compares: East Asian, 0.11%; no homozygotes.

Submission:

PreventionGenetics, part of Exact Sciences
Classification: Likely benign for SCRIB-related condition. Last evaluated: 2019-03-21. Review status: no assertion criteria provided. Collection method: clinical testing. Allele origin: germline.
Comment: This variant is classified as likely benign based on ACMG/AMP sequence variant interpretation guidelines (Richards et al. 2015 PMID: 25741868, with internal and published modifications).